The following is an entry in ClinVar:

NM_004456.5(EZH2):c.2196-20T>C

Gene: EZH2 (enhancer of zeste 2 polycomb repressive complex 2 subunit; minus strand). Cytogenetic location: 7q36.1.
Variant type: single nucleotide variant.
Coding change: c.2196-20T>C on transcript NM_004456.5 (MANE Select); 20 bases into the intron before coding-DNA position 2196, T replaced by C.
Molecular consequence: intron variant.
Genome position (GRCh38, 1-based): chr7:148,807,726, A>G on the plus strand (T>C on the coding strand, the complement: EZH2 is on the minus strand). VCF-style: chr7-148807726-A-G. GRCh37 (hg19) VCF-style: chr7-148504818-A-G.
Other names: c.2154-20T>C (NM_001203248.2); c.2064-20T>C (NM_152998.3); c.2181-20T>C (NM_001203247.2); c.2028-20T>C (NM_001203249.2).
Identifiers: ClinVar variation 377836 (VCV000377836.3), dbSNP rs116768205, ClinGen allele CA4547662.

ClinVar aggregate classification (germline): Benign/Likely benign. Review status: criteria provided, multiple submitters, no conflicts (2 of 4 stars). 3 submissions from 3 submitters: Benign (2); Likely benign (1). Last evaluated 2024-11-27.

Allele frequency attached by ClinVar (database versions not stated): gnomAD exomes 0.00093 and 0.00230; ExAC 0.00427; gnomAD 0.00959 and 0.01015; ESP Exome Variant Server 0.00969; TOPMed 0.01031; 1000 Genomes Project 0.01178; 1000 Genomes Project 30x 0.01187.
gnomAD v4.1: 2,809 of 1,561,290 alleles (0.18%); highest among the groups gnomAD compares: African/African-American, 3.4%; 43 homozygotes.

Submissions (3):

Blueprint Genetics
Classification: Likely benign. Last evaluated: 2024-11-27. Review status: criteria provided, single submitter. Criteria: ACMG Guidelines, 2015. Collection method: clinical testing. Allele origin: germline.

GeneDx
Classification: Benign. Last evaluated: 2016-02-12. Review status: criteria provided, single submitter. Criteria: GeneDx Variant Classification (06012015). Collection method: clinical testing. Allele origin: germline. Affected: yes.
Comment: This variant is considered likely benign or benign based on one or more of the following criteria: it is a conservative change, it occurs at a poorly conserved position in the protein, it is predicted to be benign by multiple in silico algorithms, and/or has population frequency not consistent with disease.

Breakthrough Genomics
Classification: Benign. Review status: criteria provided, single submitter. Criteria: ACMG Guidelines, 2015. Collection method: not provided. Allele origin: germline. Inheritance: Autosomal dominant inheritance. Affected: yes.